The following is an entry in ClinVar:

ClinVar aggregate classification (germline): Likely benign (1 of 4 stars; one submission).

Conditions:
AFF4-related disorder. Also called: AFF4-related condition.

gnomAD v4.1: 3 of 1,603,524 alleles (0.00019%); highest among the groups gnomAD compares: Admixed American, 0.0017%; no homozygotes.

Submission:

PreventionGenetics, part of Exact Sciences
Classification: Likely benign for AFF4-related condition. Last evaluated: 2024-12-18. Review status: criteria provided, single submitter. Criteria: ACMG Guidelines, 2015. Collection method: clinical testing. Allele origin: germline.
Comment: This variant is classified as likely benign based on ACMG/AMP sequence variant interpretation guidelines (Richards et al. 2015 PMID: 25741868, with internal and published modifications).

NM_014423.4(AFF4):c.-4-3T>C

Gene: AFF4 (ALF transcription elongation factor 4; minus strand). Cytogenetic location: 5q31.1.
Variant type: single nucleotide variant.
Coding change: c.-4-3T>C on transcript NM_014423.4 (MANE Select); 3 bases into the intron before 4 bases upstream of the start codon, T replaced by C.
Molecular consequence: intron variant.
Genome position (GRCh38, 1-based): chr5:132,937,196, A>G on the plus strand (T>C on the coding strand, the complement: AFF4 is on the minus strand). VCF-style: chr5-132937196-A-G. GRCh37 (hg19) VCF-style: chr5-132272888-A-G.
Identifiers: ClinVar variation 5001699 (VCV005001699.1).